The following is an entry in ClinVar:

ClinVar aggregate classification (germline): Uncertain significance (1 of 4 stars; one submission).

Allele frequency attached by ClinVar (database versions not stated): gnomAD exomes below 0.00001; ExAC 0.00001; TOPMed 0.00001.
gnomAD v4.1: 3 of 1,613,074 alleles (0.00019%); highest among the groups gnomAD compares: Admixed American, 0.0033%; no homozygotes.

Submission:

Labcorp Genetics (formerly Invitae), Labcorp
Classification: Uncertain significance. Last evaluated: 2023-12-19. Review status: criteria provided, single submitter. Criteria: Invitae Variant Classification Sherloc (09022015). Collection method: clinical testing. Allele origin: germline.
Comment: This sequence change replaces alanine, which is neutral and non-polar, with threonine, which is neutral and polar, at codon 853 of the LRRK1 protein (p.Ala853Thr). The frequency data for this variant in the population databases is considered unreliable, as metrics indicate poor data quality at this position in the gnomAD database. This variant has not been reported in the literature in individuals affected with LRRK1-related conditions. An algorithm developed to predict the effect of missense changes on protein structure and function (PolyPhen-2) suggests that this variant is likely to be disruptive. In summary, the available evidence is currently insufficient to determine the role of this variant in disease. Therefore, it has been classified as a Variant of Uncertain Significance.

NM_024652.6(LRRK1):c.2557G>A (p.Ala853Thr)

Genes: LRRK1 (leucine rich repeat kinase 1; plus strand), LOC126862255 (CDK7 strongly-dependent group 2 enhancer GRCh37_chr15:101567313-101568512; plus strand). Cytogenetic location: 15q26.3.
Variant type: single nucleotide variant.
Coding change: c.2557G>A on transcript NM_024652.6 (MANE Select); coding-DNA position 2557, G replaced by A.
Protein change: p.Ala853Thr; replaces alanine 853 with threonine.
Molecular consequence: missense variant.
Genome position (GRCh38, 1-based): chr15:101,027,668, G>A. VCF-style: chr15-101027668-G-A. GRCh37 (hg19) VCF-style: chr15-101567873-G-A.
Other names: short protein forms A853T.
Identifiers: ClinVar variation 2900538 (VCV002900538.3), dbSNP rs751385962, ClinGen allele CA7761287.
Genomic context (GRCh38, chr15:101,027,668, plus strand): 5'-GAGACCCTGCCTCGCCCAACTGTCCCCCAGATCCCCAGGAGCTACCTGAGCCTGCAGGAG[G>A]CCGTGCTGGCAGAGCAGCAGCGCCGCAGCCGGGACGACGACGTGCAGTACCTGACGGACA-3'
Protein context (NP_078928.3, residues 843-863): IPRSYLSLQE[Ala853Thr]VLAEQQRRSR